The following is an entry in ClinVar:

ClinVar aggregate classification (germline): Uncertain significance. Review status: criteria provided, multiple submitters, no conflicts (2 of 4 stars). 10 submissions from 10 submitters: Uncertain significance (8). 2 of the submissions do not count toward it. Last evaluated 2022-09-23.

Conditions:
Intellectual disability, autosomal recessive 42 (NEDDSBA). Also called: GLYCOSYLPHOSPHATIDYLINOSITOL BIOSYNTHESIS DEFECT 9; Neurodevelopmental disorder with dysmorphic features, spasticity, and brain abnormalities. Identifiers: Orphanet 88616, MedGen C4014343, MONDO:0014348, OMIM 615802.
Hereditary spastic paraplegia. Also called: Familial spastic paraparesis. Identifiers: Orphanet 685, MedGen C0037773, MONDO:0019064. Disease mechanism: loss of function.

Allele frequency attached by ClinVar (database versions not stated): ExAC 0.00070; gnomAD 0.00073 and 0.00077; 1000 Genomes Project 30x 0.00078; 1000 Genomes Project 0.00080; TOPMed 0.00080; gnomAD exomes 0.00084 and 0.00134; ESP Exome Variant Server 0.00115.
gnomAD v4.1: 2,063 of 1,612,328 alleles (0.13%); highest among the groups gnomAD compares: Non-Finnish European, 0.16%; 2 homozygotes.

Submissions (10):

Labcorp Genetics (formerly Invitae), Labcorp
Classification: Uncertain significance for Intellectual disability, autosomal recessive 42. Last evaluated: 2022-09-23. Review status: criteria provided, single submitter. Criteria: Invitae Variant Classification Sherloc (09022015). Collection method: clinical testing. Allele origin: germline.
Comment: This sequence change replaces lysine, which is basic and polar, with glutamic acid, which is acidic and polar, at codon 111 of the PGAP1 protein (p.Lys111Glu). This variant is present in population databases (rs142320636, gnomAD 0.1%), and has an allele count higher than expected for a pathogenic variant. This variant has not been reported in the literature in individuals affected with PGAP1-related conditions. ClinVar contains an entry for this variant (Variation ID: 436297). Advanced modeling of protein sequence and biophysical properties (such as structural, functional, and spatial information, amino acid conservation, physicochemical variation, residue mobility, and thermodynamic stability) performed at Invitae indicates that this missense variant is expected to disrupt PGAP1 protein function. In summary, the available evidence is currently insufficient to determine the role of this variant in disease. Therefore, it has been classified as a Variant of Uncertain Significance.

Fulgent Genetics
Classification: Uncertain significance for Intellectual disability, autosomal recessive 42. Last evaluated: 2022-03-02. Review status: criteria provided, single submitter. Criteria: ACMG Guidelines, 2015. Collection method: clinical testing. Allele origin: unknown.

Genome Diagnostics Laboratory, The Hospital for Sick Children
Classification: Uncertain significance for Hereditary spastic paraplegia. Last evaluated: 2021-11-10. Review status: criteria provided, single submitter. Criteria: ACMG Guidelines, 2015. Collection method: clinical testing. Allele origin: germline. Affected: yes.

Knight Diagnostic Laboratories, Oregon Health and Sciences University
Classification: Uncertain significance for Mental retardation, autosomal recessive 42. Last evaluated: 2019-11-18. Review status: criteria provided, single submitter. Criteria: ACMG Guidelines, 2015. Collection method: clinical testing. Allele origin: germline. Observed: 1 variant allele.

Baylor Genetics
Classification: Uncertain significance for Intellectual disability, autosomal recessive 42. Last evaluated: 2019-01-15. Review status: criteria provided, single submitter. Criteria: ACMG Guidelines, 2015. Collection method: clinical testing. Allele origin: unknown. Affected: yes.
Comment: This variant was determined to be of uncertain significance according to ACMG Guidelines, 2015 [PMID:25741868].

Genetic Services Laboratory, University of Chicago
Classification: Uncertain significance. Last evaluated: 2016-06-08. Review status: criteria provided, single submitter. Criteria: ACMG Guidelines, 2015. Collection method: clinical testing. Allele origin: germline. Affected: no.

CeGaT Center for Human Genetics Tuebingen
Classification: Uncertain significance. Last evaluated: 2016-06-01. Review status: criteria provided, single submitter. Criteria: CeGaT Center For Human Genetics Tuebingen Variant Classification Criteria Version 2. Collection method: clinical testing. Allele origin: germline. Affected: yes. Observed: 1 variant allele.

Breakthrough Genomics
Classification: Uncertain significance. Review status: criteria provided, single submitter. Criteria: ACMG Guidelines, 2015. Collection method: not provided. Allele origin: germline. Inheritance: Autosomal recessive inheritance. Affected: yes.

Clinical Genetics DNA and cytogenetics Diagnostics Lab, Erasmus MC, Erasmus Medical Center
Classification: Uncertain significance. Review status: no assertion criteria provided. Collection method: clinical testing. Allele origin: germline. Affected: yes. Study: VKGL Data-share Consensus. Not counted in ClinVar's aggregate classification.

Joint Genome Diagnostic Labs from Nijmegen and Maastricht, Radboudumc and MUMC+
Classification: Uncertain significance. Review status: no assertion criteria provided. Collection method: clinical testing. Allele origin: germline. Affected: yes. Study: VKGL Data-share Consensus. Not counted in ClinVar's aggregate classification.

NM_024989.4(PGAP1):c.331A>G (p.Lys111Glu)

Gene: PGAP1 (post-GPI attachment to proteins inositol deacylase 1; minus strand). Cytogenetic location: 2q33.1.
Variant type: single nucleotide variant.
Coding change: c.331A>G on transcript NM_024989.4 (MANE Select); coding-DNA position 331, A replaced by G.
Protein change: p.Lys111Glu; replaces lysine 111 with glutamic acid.
Molecular consequence: missense variant. On other transcripts: 5 prime UTR variant (2).
Genome position (GRCh38, 1-based): chr2:196,916,564, T>C on the plus strand (A>G on the coding strand, the complement: PGAP1 is on the minus strand). VCF-style: chr2-196916564-T-C. GRCh37 (hg19) VCF-style: chr2-197781288-T-C.
Other names: c.-192A>G (NM_001321099.2); c.-781A>G (NM_001321100.2); short protein forms K111E.
Identifiers: ClinVar variation 436297 (VCV000436297.65), dbSNP rs142320636, ClinGen allele CA2041226.